The following is an entry in ClinVar:

NM_000540.3(RYR1):c.3557-6C>T

Gene: RYR1 (ryanodine receptor 1; plus strand). Cytogenetic location: 19q13.2.
Variant type: single nucleotide variant.
Coding change: c.3557-6C>T on transcript NM_000540.3 (MANE Select); 6 bases into the intron before coding-DNA position 3557, C replaced by T.
Molecular consequence: intron variant.
Genome position (GRCh38, 1-based): chr19:38,469,299, C>T. VCF-style: chr19-38469299-C-T. GRCh37 (hg19) VCF-style: chr19-38959939-C-T.
Other names: p.?; c.3557-6C>T (NM_001042723.2).
Identifiers: ClinVar variation 329012 (VCV000329012.46), dbSNP rs139849689, ClinGen allele CA065020.
Genomic context (GRCh38, chr19:38,469,299, plus strand): 5'-CTCCCCTCGGCTCCCTCTGCCCTGCCCACCTGCCCTCACCCCTGCCCATCCATCCCCTCC[C>T]ACCAGGCTTCCTGCCCGTCTGCAGCTTGGGACCTGGCCAGGTGGGTCATCTGAACCTGGG-3'

ClinVar aggregate classification (germline): Benign/Likely benign. Review status: criteria provided, multiple submitters, no conflicts (2 of 4 stars). 9 submissions from 8 submitters: Benign (3); Likely benign (6). Last evaluated 2026-02-01.

Conditions:
RYR1-related disorder. Also called: RYR1-related condition; RYR1-related disorders. Identifiers: MedGen CN239331.
Congenital multicore myopathy with external ophthalmoplegia (CMYO1B). Also called: Minicore myopathy with external ophthalmoplegia; MULTIMINICORE DISEASE WITH EXTERNAL OPHTHALMOPLEGIA; Congenital myopathy 1B, autosomal recessive; Minicore myopathy; MULTICORE MYOPATHY. Identifiers: Orphanet 598, Orphanet 98905, MedGen C1850674, MONDO:0009712, OMIM 255320, HP:0003789.
Malignant hyperthermia, susceptibility to, 1 (MHS1). Also called: Malignant hyperthermia suceptibility 1; RYR1-Related Malignant Hyperthermia Susceptibility; Anesthesia related hyperthermia; Malignant hyperpyrexia; Fulminating hyperpyrexia; Pharmacogenic myopathy. Identifiers: Orphanet 423, MedGen C2930980, MONDO:0007783, OMIM 145600.

Allele frequency attached by ClinVar (database versions not stated): gnomAD exomes 0.00018 and 0.00052; ExAC 0.00056; ESP Exome Variant Server 0.00169; gnomAD 0.00183 and 0.00196; TOPMed 0.00206; 1000 Genomes Project 30x 0.00250; 1000 Genomes Project 0.00260.
gnomAD v4.1: 554 of 1,613,782 alleles (0.034%); highest among the groups gnomAD compares: African/African-American, 0.63%; 4 homozygotes.

Submissions (9):

CeGaT Center for Human Genetics Tuebingen
Classification: Likely benign. Last evaluated: 2026-02-01. Review status: criteria provided, single submitter. Criteria: CeGaT Center For Human Genetics Tuebingen Variant Classification Criteria Version 2. Collection method: clinical testing. Allele origin: germline. Affected: yes. Observed: 2 variant alleles.
Comment: RYR1: BP4

Labcorp Genetics (formerly Invitae), Labcorp
Classification: Benign for RYR1-related disorder. Last evaluated: 2026-01-28. Review status: criteria provided, single submitter. Criteria: Invitae Variant Classification Sherloc (09022015). Collection method: clinical testing. Allele origin: germline.

Mayo Clinic Laboratories, Mayo Clinic
Classification: Likely benign. Last evaluated: 2024-12-13. Review status: criteria provided, single submitter. Criteria: ACMG Guidelines, 2015. Collection method: clinical testing. Allele origin: germline. Observed: 1 variant allele.
Comment: BP4, BP6

Blueprint Genetics
Classification: Likely benign. Last evaluated: 2024-11-05. Review status: criteria provided, single submitter. Criteria: ACMG Guidelines, 2015. Collection method: clinical testing. Allele origin: germline.

Color Diagnostics, LLC DBA Color Health
Classification: Benign for Malignant hyperthermia, susceptibility to, 1. Last evaluated: 2022-10-20. Review status: criteria provided, single submitter. Criteria: ACMG Guidelines, 2015. Collection method: clinical testing. Allele origin: germline.

GeneDx
Classification: Likely benign. Last evaluated: 2021-03-24. Review status: criteria provided, single submitter. Criteria: GeneDx Variant Classification Process June 2021. Collection method: clinical testing. Allele origin: germline. Affected: yes.

Illumina Laboratory Services, Illumina
Classification: Likely benign for Congenital multicore myopathy with external ophthalmoplegia. Last evaluated: 2018-01-13. Review status: criteria provided, single submitter. Criteria: ICSL Variant Classification Criteria 13 December 2019. Collection method: clinical testing. Allele origin: germline.
Comment: This variant was observed in the ICSL laboratory as part of a predisposition screen in an ostensibly healthy population. It had not been previously curated by ICSL or reported in the Human Gene Mutation Database (HGMD: prior to June 1st, 2018), and was therefore a candidate for classification through an automated scoring system. Utilizing variant allele frequency, disease prevalence and penetrance estimates, and inheritance mode, an automated score was calculated to assess if this variant is too frequent to cause the disease. Based on the score and internal cut-off values, a variant classified as likely benign is not then subjected to further curation. The score for this variant resulted in a classification of likely benign for this disease.

Illumina Laboratory Services, Illumina
Classification: Likely benign for Malignant hyperthermia, susceptibility to, 1. Last evaluated: 2018-01-13. Review status: criteria provided, single submitter. Criteria: ICSL Variant Classification Criteria 13 December 2019. Collection method: clinical testing. Allele origin: germline.
Comment: the same text as in the submission from Illumina Laboratory Services, Illumina above.

PreventionGenetics, part of Exact Sciences
Classification: Benign. Last evaluated: 2016-05-25. Review status: criteria provided, single submitter. Criteria: ACMG Guidelines, 2015. Collection method: clinical testing. Allele origin: germline.